The following is an entry in ClinVar:

ClinVar aggregate classification (germline): Uncertain significance. Review status: criteria provided, multiple submitters, no conflicts (2 of 4 stars). 2 submissions from 2 submitters: Uncertain significance (2). Last evaluated 2025-03-26.

Conditions:
Cardiovascular phenotype. Identifiers: MedGen CN230736.
RASopathy. Also called: rasopathies; Noonan spectrum disorder. Identifiers: Orphanet 536391, MedGen C5555857, MONDO:0021060.

Submissions (2):

Ambry Genetics
Classification: Uncertain significance for Cardiovascular phenotype. Last evaluated: 2025-03-26. Review status: criteria provided, single submitter. Criteria: Ambry Variant Classification Scheme 2023. Collection method: clinical testing. Allele origin: germline.
Comment: The p.F174S variant (also known as c.521T>C), located in coding exon 3 of the CBL gene, results from a T to C substitution at nucleotide position 521. The phenylalanine at codon 174 is replaced by serine, an amino acid with highly dissimilar properties. This amino acid position is conserved. In addition, this alteration is predicted to be deleterious by in silico analysis. Based on the available evidence, the clinical significance of this variant remains unclear.

Labcorp Genetics (formerly Invitae), Labcorp
Classification: Uncertain significance for RASopathy. Last evaluated: 2024-03-12. Review status: criteria provided, single submitter. Criteria: Invitae Variant Classification Sherloc (09022015). Collection method: clinical testing. Allele origin: germline.
Comment: This sequence change replaces phenylalanine, which is neutral and non-polar, with serine, which is neutral and polar, at codon 174 of the CBL protein (p.Phe174Ser). This variant is not present in population databases (gnomAD no frequency). This variant has not been reported in the literature in individuals affected with CBL-related conditions. Advanced modeling of protein sequence and biophysical properties (such as structural, functional, and spatial information, amino acid conservation, physicochemical variation, residue mobility, and thermodynamic stability) performed at Invitae indicates that this missense variant is expected to disrupt CBL protein function with a positive predictive value of 80%. In summary, the available evidence is currently insufficient to determine the role of this variant in disease. Therefore, it has been classified as a Variant of Uncertain Significance.

NM_005188.4(CBL):c.521T>C (p.Phe174Ser)

Gene: CBL (Cbl proto-oncogene; plus strand). Cytogenetic location: 11q23.3.
Variant type: single nucleotide variant.
Coding change: c.521T>C on transcript NM_005188.4 (MANE Select); coding-DNA position 521, T replaced by C.
Protein change: p.Phe174Ser; replaces phenylalanine 174 with serine.
Molecular consequence: missense variant.
Genome position (GRCh38, 1-based): chr11:119,271,812, T>C. VCF-style: chr11-119271812-T-C. GRCh37 (hg19) VCF-style: chr11-119142522-T-C.
Other names: c.521T>C (NM_005188.2); short protein forms F174S.
Identifiers: ClinVar variation 3634381 (VCV003634381.3).